The following is an entry in ClinVar:

ClinVar aggregate classification (germline): Benign (1 of 4 stars; one submission).

Conditions:
Familial cancer of breast. Also called: Hereditary breast cancer; hereditary breast carcinoma; BREAST CANCER, FAMILIAL. Identifiers: Orphanet 227535, MedGen C0346153, MONDO:0016419, OMIM 114480. Disease mechanism: loss of function.

Submission:

Myriad Genetics, Inc.
Classification: Benign for Familial cancer of breast. Last evaluated: 2025-01-10. Review status: criteria provided, single submitter. Criteria: Myriad Autosomal Dominant, Autosomal Recessive and X-Linked Classification Criteria (2023). Collection method: clinical testing. Allele origin: unknown.
Comment: This variant is considered benign. This variant is a silent/synonymous amino acid change and it is not expected to impact splicing.

NM_024675.4(PALB2):c.630A>C (p.Pro210=)

Gene: PALB2 (partner and localizer of BRCA2; minus strand). Cytogenetic location: 16p12.2.
Variant type: single nucleotide variant.
Coding change: c.630A>C on transcript NM_024675.4 (MANE Select); coding-DNA position 630, A replaced by C.
Protein change: p.Pro210=; no amino-acid change (proline 210 retained).
Molecular consequence: synonymous variant. On other transcripts: 5 prime UTR variant (8), intron variant (3).
Genome position (GRCh38, 1-based): chr16:23,635,916, T>G on the plus strand (A>C on the coding strand, the complement: PALB2 is on the minus strand). VCF-style: chr16-23635916-T-G. GRCh37 (hg19) VCF-style: chr16-23647237-T-G.
Other names: c.570A>C, p.Pro190= (NM_001407296.1); c.630A>C, p.Pro210= (NM_001407297.1, NM_001407298.1, NM_001407299.1 and 3 more transcripts); c.-256A>C (NM_001407304.1, NM_001407305.1, NM_001407306.1 and 5 more transcripts); c.48+5194A>C (NM_001407314.1); c.-105+5194A>C (NM_001407313.1, NM_001407312.1).
Identifiers: ClinVar variation 3903857 (VCV003903857.1).